The following is an entry in ClinVar:

NM_032043.3(BRIP1):c.1473G>A (p.Gln491=)

Gene: BRIP1 (BRCA1 interacting DNA helicase 1; minus strand). Cytogenetic location: 17q23.2.
Variant type: single nucleotide variant.
Coding change: c.1473G>A on transcript NM_032043.3 (MANE Select); coding-DNA position 1473, G replaced by A.
Protein change: p.Gln491=; no amino-acid change (glutamine 491 retained).
Molecular consequence: synonymous variant.
Genome position (GRCh38, 1-based): chr17:61,793,597, C>T on the plus strand (G>A on the coding strand, the complement: BRIP1 is on the minus strand). VCF-style: chr17-61793597-C-T. GRCh37 (hg19) VCF-style: chr17-59870958-C-T.
Identifiers: ClinVar variation 1773409 (VCV001773409.3), dbSNP rs2145238730, ClinGen allele CA501151209.

ClinVar aggregate classification (germline): Uncertain significance. Review status: criteria provided, multiple submitters, no conflicts (2 of 4 stars). 2 submissions from 2 submitters: Uncertain significance (2). Last evaluated 2025-10-13.

Conditions:
Fanconi anemia complementation group J. Also called: BRIP1-Related Fanconi Anemia. Identifiers: Orphanet 84, MedGen C1836860, MONDO:0012187, OMIM 609054.
Familial cancer of breast. Also called: BREAST CANCER, FAMILIAL; Hereditary breast cancer; hereditary breast carcinoma. Identifiers: Orphanet 227535, MedGen C0346153, MONDO:0016419, OMIM 114480. Disease mechanism: loss of function.
Hereditary cancer-predisposing syndrome. Also called: Tumor predisposition; Neoplastic Syndromes, Hereditary; Hereditary Cancer Syndrome; Hereditary neoplastic syndrome. Identifiers: Orphanet 140162, MedGen C0027672, MeSH D009386, MONDO:0015356.

Allele frequency attached by ClinVar (database versions not stated): gnomAD exomes below 0.00001.
gnomAD v4.1: 1 of 1,602,952 alleles (0.000062%); highest among the groups gnomAD compares: Non-Finnish European, 0.000085%; no homozygotes.

Submissions (2):

Labcorp Genetics (formerly Invitae), Labcorp
Classification: Uncertain significance for Familial cancer of breast; Fanconi anemia complementation group J. Last evaluated: 2025-10-13. Review status: criteria provided, single submitter. Criteria: Invitae Variant Classification Sherloc (09022015). Collection method: clinical testing. Allele origin: germline.
Comment: This sequence change affects codon 491 of the BRIP1 mRNA. It is a 'silent' change, meaning that it does not change the encoded amino acid sequence of the BRIP1 protein. This variant also falls at the last nucleotide of exon 10, which is part of the consensus splice site for this exon. This variant is not present in population databases (gnomAD no frequency). This variant has not been reported in the literature in individuals affected with BRIP1-related conditions. ClinVar contains an entry for this variant (Variation ID: 1773409). Variants that disrupt the consensus splice site are a relatively common cause of aberrant splicing (PMID: 17576681, 9536098). Algorithms developed to predict the effect of sequence changes on RNA splicing suggest that this variant may disrupt the consensus splice site. In summary, the available evidence is currently insufficient to determine the role of this variant in disease. Therefore, it has been classified as a Variant of Uncertain Significance.

Ambry Genetics
Classification: Uncertain significance for Hereditary cancer-predisposing syndrome. Last evaluated: 2021-03-22. Review status: criteria provided, single submitter. Criteria: Ambry Variant Classification Scheme 2023. Collection method: clinical testing. Allele origin: germline.
Comment: The c.1473G>A variant (also known as p.Q491Q), located in coding exon 9 of the BRIP1 gene, results from a G to A substitution at nucleotide position 1473. This nucleotide substitution does not change the glutamine at codon 491. However, this change occurs in the last base pair of coding exon 9, which makes it likely to have some effect on normal mRNA splicing. This nucleotide position is highly conserved in available vertebrate species. In silico splice site analysis predicts that this alteration may weaken the native splice donor site. RNA studies have demonstrated that this alteration results in an incomplete splice defect; the clinical impact of this abnormal splicing is unknown at this time (Ambry internal data). Since supporting evidence is limited at this time, the clinical significance of this alteration remains unclear.

Literature cited by the submitters: PubMed 17576681 (cited by Labcorp Genetics (formerly Invitae), Labcorp); PubMed 9536098 (cited by Labcorp Genetics (formerly Invitae), Labcorp).